The following is an entry in ClinVar:

NM_000391.4(TPP1):c.230-2A>G

Gene: TPP1 (tripeptidyl peptidase 1; minus strand). Cytogenetic location: 11p15.4.
Variant type: single nucleotide variant.
Coding change: c.230-2A>G on transcript NM_000391.4 (MANE Select); the canonical splice acceptor site of the intron before coding-DNA position 230, A replaced by G.
Molecular consequence: splice acceptor variant.
Genome position (GRCh38, 1-based): chr11:6,617,778, T>C on the plus strand (A>G on the coding strand, the complement: TPP1 is on the minus strand). VCF-style: chr11-6617778-T-C. GRCh37 (hg19) VCF-style: chr11-6639009-T-C.
Other names: NM_000391.4:c.230-2A>G.
Identifiers: ClinVar variation 2500920 (VCV002500920.1), dbSNP rs2493800555, ClinGen allele CA379476628.
Genomic context (GRCh38, chr11:6,617,778, plus strand): 5'-GAGGGTCAGTGGGGATGGCCTCACCAGATCAGCCACATTCTCTAGGGTCAGGTATTTTCC[T>C]GCAGGGATTCAGAAGAGGCACTTGCCCTCATTCATTGCTTTCCCAAACTCCCCCTTTTGG-3'

ClinVar aggregate classification (germline): Likely pathogenic (1 of 4 stars; one submission).

Conditions:
Neuronal ceroid lipofuscinosis 2. Also called: TPP1-Related Neuronal Ceroid-Lipofuscinosis; JANSKY-BIELSCHOWSKY DISEASE NEURONAL CEROID LIPOFUSCINOSIS, LATE INFANTILE. Identifiers: Orphanet 168491, Orphanet 228349, Orphanet 79264, MedGen C1876161, MONDO:0008769, OMIM 204500.

Submission:

Broad Center for Mendelian Genomics, Broad Institute of MIT and Harvard
Classification: Likely pathogenic for Neuronal ceroid lipofuscinosis 2. Last evaluated: 2023-05-02. Review status: criteria provided, single submitter. Criteria: ACMG Guidelines, 2015. Collection method: curation. Allele origin: germline. Inheritance: Autosomal recessive inheritance.
Comment: The c.230-2A>G variant in TPP1 has been previously reported in one individual with neuronal ceroid lipofuscinosis type 2 (PMID: 32855042). This variant is absent in population databases. The individual previously reported (PMID: 32855042) and the individual identified by our study were homozygotes, which increases the likelihood that the c.230-2A>G variant is pathogenic. This variant is located in the 3' splice region. Computational tools predict a splicing impact, though this information is not predictive enough to determine pathogenicity. There is an in-frame cryptic splice site 96 bases from the intron-exon boundary, providing evidence that this variant may delete 32 amino acids instead of causing loss of function. However, this information is not predictive enough to determine pathogenicity. Loss of function of the TPP1 gene is an established disease mechanism in autosomal recessive neuronal ceroid lipofuscinosis 2. In summary, although additional studies are required to fully establish its clinical significance, this variant is likely pathogenic for autosomal recessive neuronal ceroid lipofuscinosis type 2. ACMG/AMP Criteria applied: PVS1_Strong, PM2_Supporting, PM3 (Richards 2015).